The following is an entry in ClinVar:

NM_213653.4(HJV):c.665T>A (p.Ile222Asn)

Gene: HJV (hemojuvelin BMP co-receptor; minus strand). Cytogenetic location: 1q21.1.
Variant type: single nucleotide variant.
Coding change: c.665T>A on transcript NM_213653.4 (MANE Select); coding-DNA position 665, T replaced by A.
Protein change: p.Ile222Asn; replaces isoleucine 222 with asparagine.
Molecular consequence: missense variant. On other transcripts: 5 prime UTR variant (3).
Genome position (GRCh38, 1-based): chr1:146,018,693, A>T on the plus strand (T>A on the coding strand, the complement: HJV is on the minus strand). VCF-style: chr1-146018693-A-T. GRCh37 (hg19) VCF-style: chr1-145416320-T-A.
Other names: c.-14T>A (NM_001316767.2, NM_202004.4, NM_213652.4); c.665T>A, p.Ile222Asn (NM_001379352.1); c.326T>A, p.Ile109Asn (NM_145277.5); short protein forms I222N, I109N.
Identifiers: ClinVar variation 2367 (VCV000002367.11), dbSNP rs74315325, ClinGen allele CA252252.

ClinVar aggregate classification (germline): Conflicting classifications of pathogenicity. Review status: criteria provided, conflicting classifications (1 of 4 stars). 6 submissions from 6 submitters: Likely pathogenic (3); Uncertain significance (2). 1 of the submissions does not count toward it. Last evaluated 2025-10-13.

Conditions:
HFE2-related disorders.
Hemochromatosis type 2A (HFE2A). Also called: Adult-Onset Hemochromatosis; HJV (HFE2)-Related Juvenile Hemochromatosis. Identifiers: Orphanet 79230, MedGen C1865614, MONDO:0011216, OMIM 602390.

Allele frequency attached by ClinVar (database versions not stated): ExAC 0.00001; gnomAD exomes 0.00002; TOPMed 0.00002; gnomAD 0.00003.

Submissions (6):

Natera, Inc.
Classification: Likely pathogenic for Hemochromatosis type 2A. Last evaluated: 2025-10-13. Review status: criteria provided, single submitter. Criteria: Natera Variant Classification Schema (03/2026). Collection method: clinical testing. Allele origin: germline.
Comment: The c.665T>A variant in HJV is a missense variant predicted to cause substitution of isoleucine to asparagine at amino acid 222. This variant is rare in the general population with a frequency below the threshold expected for the associated phenotype(s). This variant has been observed in one or more individuals affected with the associated recessive disease, as either homozygous or compound heterozygous with a second variant (PMID: 14982867, 14647275). Computational prediction algorithms indicate this variant is likely to affect gene or protein function. Given the available evidence, this variant is classified as Likely Pathogenic.

Fulgent Genetics
Classification: Likely pathogenic for Hemochromatosis type 2A. Last evaluated: 2024-06-10. Review status: criteria provided, single submitter. Criteria: ACMG Guidelines, 2015. Collection method: clinical testing. Allele origin: germline.

Women's Health and Genetics/Laboratory Corporation of America, LabCorp
Classification: Uncertain significance. Last evaluated: 2024-05-31. Review status: criteria provided, single submitter. Criteria: LabCorp Variant Classification Summary - May 2015. Collection method: clinical testing. Allele origin: germline.
Comment: Variant summary: HJV c.665T>A (p.Ile222Asn) results in a non-conservative amino acid change located in the N-terminal domain (IPR010536) of the encoded protein sequence. Four of four in-silico tools predict a damaging effect of the variant on protein function. The variant allele was found at a frequency of 2.5e-05 in 282880 control chromosomes (gnomAD). c.665T>A has been reported in the literature in individuals affected with Hemochromatosis Type 2A (Papanikolaou_2003, Lee_2004, Pissia_2004). These data indicate that the variant may be associated with disease. To our knowledge, no experimental evidence demonstrating an impact on protein function has been reported. The following publications have been ascertained in the context of this evaluation (PMID: 14647275, 15194541, 14982867). ClinVar contains an entry for this variant (Variation ID: 2367). Based on the evidence outlined above, the variant was classified as VUS-possibly pathogenic.

Labcorp Genetics (formerly Invitae), Labcorp
Classification: Uncertain significance. Last evaluated: 2021-09-01. Review status: criteria provided, single submitter. Criteria: Invitae Variant Classification Sherloc (09022015). Collection method: clinical testing. Allele origin: germline.
Comment: This sequence change replaces isoleucine with asparagine at codon 222 of the HJV protein (p.Ile222Asn). The isoleucine residue is highly conserved and there is a large physicochemical difference between isoleucine and asparagine. This variant is present in population databases (rs74315325, ExAC 0.001%). This missense change has been observed in individual(s) with juvenile hemochromatosis (PMID: 14647275). In at least one individual the data is consistent with the variant being in trans (on the opposite chromosome) from a pathogenic variant. ClinVar contains an entry for this variant (Variation ID: 2367). Algorithms developed to predict the effect of missense changes on protein structure and function (SIFT, PolyPhen-2, Align-GVGD) all suggest that this variant is likely to be disruptive. In summary, the available evidence is currently insufficient to determine the role of this variant in disease. Therefore, it has been classified as a Variant of Uncertain Significance.

Blueprint Genetics
Classification: Likely pathogenic for HFE2-related disorders. Last evaluated: 2021-04-28. Review status: criteria provided, single submitter. Criteria: ACMG Guidelines, 2015. Collection method: clinical testing. Allele origin: germline. Affected: yes. Observed: 2 variant alleles.

OMIM
Classification: Pathogenic for HEMOCHROMATOSIS, TYPE 2A. Last evaluated: 2004-01-01. Review status: no assertion criteria provided. Collection method: literature only. Allele origin: germline. Not counted in ClinVar's aggregate classification.

Literature cited by the submitters: PubMed 14982867 (cited by Natera, Inc. and Women's Health and Genetics/Laboratory Corporation of America, LabCorp); PubMed 14647275 (cited by 4 submitters); PubMed 15194541 (cited by Women's Health and Genetics/Laboratory Corporation of America, LabCorp).